The following is an entry in ClinVar:

NM_017654.4(SAMD9):c.653A>G (p.Glu218Gly)

Gene: SAMD9 (sterile alpha motif domain containing 9; minus strand). Cytogenetic location: 7q21.2.
Variant type: single nucleotide variant.
Coding change: c.653A>G on transcript NM_017654.4 (MANE Select); coding-DNA position 653, A replaced by G.
Protein change: p.Glu218Gly; replaces glutamic acid 218 with glycine.
Molecular consequence: missense variant.
Genome position (GRCh38, 1-based): chr7:93,105,445, T>C on the plus strand (A>G on the coding strand, the complement: SAMD9 is on the minus strand). VCF-style: chr7-93105445-T-C. GRCh37 (hg19) VCF-style: chr7-92734758-T-C.
Other names: c.653A>G, p.Glu218Gly (NM_001193307.2); short protein forms E218G.
Identifiers: ClinVar variation 3437000 (VCV003437000.1).

ClinVar aggregate classification (germline): Uncertain significance (1 of 4 stars; one submission).

Conditions:
Inborn genetic diseases. Identifiers: MedGen C0950123, MeSH D030342.

gnomAD v4.1: 1 of 1,614,044 alleles (0.000062%); highest among the groups gnomAD compares: Non-Finnish European, 0.000085%; no homozygotes.

Submission:

Ambry Genetics
Classification: Uncertain significance for Inborn genetic diseases. Last evaluated: 2024-11-18. Review status: criteria provided, single submitter. Criteria: Ambry Variant Classification Scheme 2023. Collection method: clinical testing. Allele origin: germline.
Comment: The p.E218G variant (also known as c.653A>G), located in coding exon 1 of the SAMD9 gene, results from an A to G substitution at nucleotide position 653. The glutamic acid at codon 218 is replaced by glycine, an amino acid with similar properties. This amino acid position is conserved. In addition, the in silico prediction for this alteration is inconclusive. Based on the available evidence, the clinical significance of this variant remains unclear.